The following is an entry in ClinVar:

NM_004408.4(DNM1):c.428T>A (p.Val143Asp)

Genes: DNM1 (dynamin 1; plus strand), LOC113839516 (Sharpr-MPRA regulatory region 8497; plus strand). Cytogenetic location: 9q34.11.
Variant type: single nucleotide variant.
Coding change: c.428T>A on transcript NM_004408.4 (MANE Select); coding-DNA position 428, T replaced by A.
Protein change: p.Val143Asp; replaces valine 143 with aspartic acid.
Molecular consequence: missense variant.
Genome position (GRCh38, 1-based): chr9:128,219,091, T>A. VCF-style: chr9-128219091-T-A. GRCh37 (hg19) VCF-style: chr9-130981370-T-A.
Other names: c.428T>A, p.Val143Asp (NM_001005336.3, NM_001288737.2, NM_001288738.2 and 2 more transcripts); short protein forms V143D.
Identifiers: ClinVar variation 3646444 (VCV003646444.2).

ClinVar aggregate classification (germline): Uncertain significance (1 of 4 stars; one submission).

Conditions:
Developmental and epileptic encephalopathy, 31A. Also called: Epileptic encephalopathy, early infantile, 31; Developmental and epileptic encephalopathy, 31. Identifiers: Orphanet 2382, MedGen C4225357, MONDO:0014598, OMIM 616346.

Submission:

Labcorp Genetics (formerly Invitae), Labcorp
Classification: Uncertain significance for Developmental and epileptic encephalopathy, 31A. Last evaluated: 2024-03-17. Review status: criteria provided, single submitter. Criteria: Invitae Variant Classification Sherloc (09022015). Collection method: clinical testing. Allele origin: germline.
Comment: This sequence change replaces valine, which is neutral and non-polar, with aspartic acid, which is acidic and polar, at codon 143 of the DNM1 protein (p.Val143Asp). This variant is not present in population databases (gnomAD no frequency). This variant has not been reported in the literature in individuals affected with DNM1-related conditions. Advanced modeling of protein sequence and biophysical properties (such as structural, functional, and spatial information, amino acid conservation, physicochemical variation, residue mobility, and thermodynamic stability) performed at Invitae indicates that this missense variant is expected to disrupt DNM1 protein function with a positive predictive value of 80%. In summary, the available evidence is currently insufficient to determine the role of this variant in disease. Therefore, it has been classified as a Variant of Uncertain Significance.